The following is an entry in ClinVar:

ClinVar aggregate classification (germline): Uncertain significance (0 of 4 stars; one submission).

Conditions:
Prostate cancer. Also called: Malignant tumor of prostate. Identifiers: Orphanet 1331, MedGen C0376358, MONDO:0008315, HP:0012125.

Allele frequency attached by ClinVar (database versions not stated): gnomAD exomes below 0.00001.
gnomAD v4.1: 2 of 1,611,898 alleles (0.00012%); highest among the groups gnomAD compares: Non-Finnish European, 0.00017%; no homozygotes.

Submission:

Science for Life laboratory,  Karolinska Institutet
Classification: Uncertain significance for Malignant tumor of prostate. Review status: no assertion criteria provided. Collection method: not provided. Allele origin: somatic.
Comment: TumorID:SWE-12A
ClinVar note: Converted during submission from Unknown to Uncertain significance.

NM_016427.3(ELOA2):c.367T>C (p.Ser123Pro)

Genes: ELOA2 (elongin A2; minus strand), KATNAL2 (katanin catalytic subunit A1 like 2; plus strand). Cytogenetic location: 18q21.1.
Variant type: single nucleotide variant.
Coding change: c.367T>C on transcript NM_016427.3 (MANE Select); coding-DNA position 367, T replaced by C.
Protein change: p.Ser123Pro; replaces serine 123 with proline.
Molecular consequence: missense variant. On other transcripts: intron variant (14).
Genome position (GRCh38, 1-based): chr18:47,034,898, A>G on the plus strand (T>C on the coding strand, the complement: ELOA2 is on the minus strand). VCF-style: chr18-47034898-A-G. GRCh37 (hg19) VCF-style: chr18-44561269-A-G.
Other names: c.-1-23337A>G (NM_001353904.1, NM_001353903.1, NM_001353907.1 and 3 more transcripts); c.130-11559A>G (NM_001353899.1, NM_001353900.1, NM_001353902.1); c.52-11559A>G (NM_001353901.1, NM_001387690.1, NM_001367621.1); c.-294-11559A>G (NM_001353905.1); c.-94-17982A>G (NM_031303.3); short protein forms S123P.
Identifiers: ClinVar variation 161702 (VCV000161702.2), dbSNP rs193920804, ClinGen allele CA174625.